The following is an entry in ClinVar:

NM_001080467.3(MYO5B):c.1844G>A (p.Arg615His)

Gene: MYO5B (myosin VB; minus strand). Cytogenetic location: 18q21.1.
Variant type: single nucleotide variant.
Coding change: c.1844G>A on transcript NM_001080467.3 (MANE Select); coding-DNA position 1844, G replaced by A.
Protein change: p.Arg615His; replaces arginine 615 with histidine.
Molecular consequence: missense variant.
Genome position (GRCh38, 1-based): chr18:49,937,306, C>T on the plus strand (G>A on the coding strand, the complement: MYO5B is on the minus strand). VCF-style: chr18-49937306-C-T. GRCh37 (hg19) VCF-style: chr18-47463676-C-T.
Other names: short protein forms R615H.
Identifiers: ClinVar variation 1303924 (VCV001303924.7), dbSNP rs775514214, ClinGen allele CA8961351.
Genomic context (GRCh38, chr18:49,937,306, plus strand): 5'-TGGTGGCCAACGGTTTTCTTGTGCTCCTTGTTGGAGACTTTCATGGGGGGTCTGGCAGAA[C>T]GGACGCTGATCTTCGAAGATGACCCCTTCCCAGGGGTGGTGGCAGGAACAGGGTCCTTGT-3'
Protein context (NP_001073936.1, residues 605-625): GKGSSSKISV[Arg615His]SARPPMKVSN

ClinVar aggregate classification (germline): Uncertain significance. Review status: criteria provided, multiple submitters, no conflicts (2 of 4 stars). 3 submissions from 3 submitters: Uncertain significance (3). Last evaluated 2026-01-23.

Conditions:
MYO5B-related disorder. Also called: MYO5B-related condition.

Allele frequency attached by ClinVar (database versions not stated): gnomAD exomes 0.00008.

Submissions (3):

PreventionGenetics, part of Exact Sciences
Classification: Uncertain significance for MYO5B-related condition. Last evaluated: 2026-01-23. Review status: criteria provided, single submitter. Criteria: ACMG Guidelines, 2015. Collection method: clinical testing. Allele origin: germline.
Comment: The MYO5B c.1844G>A variant is predicted to result in the amino acid substitution p.Arg615His. To our knowledge, this variant has not been reported in the literature. This variant is reported in 0.029% of alleles in individuals of South Asian descent in gnomAD. At this time, the clinical significance of this variant is uncertain due to the absence of conclusive functional and genetic evidence.

Labcorp Genetics (formerly Invitae), Labcorp
Classification: Uncertain significance. Last evaluated: 2022-10-23. Review status: criteria provided, single submitter. Criteria: Invitae Variant Classification Sherloc (09022015). Collection method: clinical testing. Allele origin: germline.
Comment: This sequence change replaces arginine, which is basic and polar, with histidine, which is basic and polar, at codon 615 of the MYO5B protein (p.Arg615His). This variant is present in population databases (rs775514214, gnomAD 0.03%). This variant has not been reported in the literature in individuals affected with MYO5B-related conditions. ClinVar contains an entry for this variant (Variation ID: 1303924). Advanced modeling of protein sequence and biophysical properties (such as structural, functional, and spatial information, amino acid conservation, physicochemical variation, residue mobility, and thermodynamic stability) performed at Invitae indicates that this missense variant is not expected to disrupt MYO5B protein function. In summary, the available evidence is currently insufficient to determine the role of this variant in disease. Therefore, it has been classified as a Variant of Uncertain Significance.

GeneDx
Classification: Uncertain significance. Last evaluated: 2020-08-26. Review status: criteria provided, single submitter. Criteria: GeneDx Variant Classification Process June 2021. Collection method: clinical testing. Allele origin: germline. Affected: yes.
Comment: In silico analysis supports that this missense variant has a deleterious effect on protein structure/function; Has not been previously published as pathogenic or benign to our knowledge